The following is an entry in ClinVar:

ClinVar aggregate classification (germline): Likely pathogenic (1 of 4 stars; one submission).

Submission:

Labcorp Genetics (formerly Invitae), Labcorp
Classification: Likely pathogenic. Last evaluated: 2024-02-19. Review status: criteria provided, single submitter. Criteria: Invitae Variant Classification Sherloc (09022015). Collection method: clinical testing. Allele origin: germline.
Comment: This sequence change falls in intron 1 of the LMX1B gene. It does not directly change the encoded amino acid sequence of the LMX1B protein. It affects a nucleotide within the consensus splice site. This variant is not present in population databases (gnomAD no frequency). This variant has been observed in individual(s) with nail-patella syndrome (Invitae). It has also been observed to segregate with disease in related individuals. ClinVar contains an entry for this variant (Variation ID: 2030791). Variants that disrupt the consensus splice site are a relatively common cause of aberrant splicing (PMID: 17576681, 9536098). Algorithms developed to predict the effect of sequence changes on RNA splicing suggest that this variant may disrupt the consensus splice site. In summary, the currently available evidence indicates that the variant is pathogenic, but additional data are needed to prove that conclusively. Therefore, this variant has been classified as Likely Pathogenic.

Literature cited by the submitters: PubMed 17576681; PubMed 9536098.

NM_001174147.2(LMX1B):c.140-3C>G

Gene: LMX1B (LIM homeobox transcription factor 1 beta; plus strand). Cytogenetic location: 9q33.3.
Variant type: single nucleotide variant.
Coding change: c.140-3C>G on transcript NM_001174147.2 (MANE Select); 3 bases into the intron before coding-DNA position 140, C replaced by G.
Molecular consequence: intron variant.
Genome position (GRCh38, 1-based): chr9:126,615,380, C>G. VCF-style: chr9-126615380-C-G. GRCh37 (hg19) VCF-style: chr9-129377659-C-G.
Other names: c.140-3C>G (NM_001174146.2, NM_002316.4).
Identifiers: ClinVar variation 2030791 (VCV002030791.4), dbSNP rs1308751738, ClinGen allele CA2580079537.